The following is an entry in ClinVar:

NM_015836.4(WARS2):c.265C>T (p.Arg89Trp)

Gene: WARS2 (tryptophanyl tRNA synthetase 2, mitochondrial; minus strand). Cytogenetic location: 1p12.
Variant type: single nucleotide variant.
Coding change: c.265C>T on transcript NM_015836.4 (MANE Select); coding-DNA position 265, C replaced by T.
Protein change: p.Arg89Trp; replaces arginine 89 with tryptophan.
Molecular consequence: missense variant. On other transcripts: 5 prime UTR variant (1), intron variant (2).
Genome position (GRCh38, 1-based): chr1:119,076,433, G>A on the plus strand (C>T on the coding strand, the complement: WARS2 is on the minus strand). VCF-style: chr1-119076433-G-A. GRCh37 (hg19) VCF-style: chr1-119619056-G-A.
Other names: c.196C>T, p.Arg66Trp (NM_001378226.1, NM_001378227.1); c.-18C>T (NM_001378230.1); c.265C>T, p.Arg89Trp (NM_001378231.1, NM_201263.2); c.91-30771C>T (NM_001378229.1); c.177+88C>T (NM_001378228.1); short protein forms R66W, R89W.
Identifiers: ClinVar variation 2354670 (VCV002354670.6), dbSNP rs374597293, ClinGen allele CA1035367.

ClinVar aggregate classification (germline): Uncertain significance. Review status: criteria provided, multiple submitters, no conflicts (2 of 4 stars). 3 submissions from 3 submitters: Uncertain significance (3). Last evaluated 2026-09-23.

Conditions:
Inborn genetic diseases. Identifiers: MedGen C0950123, MeSH D030342.

Allele frequency attached by ClinVar (database versions not stated): gnomAD exomes 0.00003; 1000 Genomes Project 30x 0.00031; ExAC 0.00008; ESP Exome Variant Server 0.00023; gnomAD 0.00015; 1000 Genomes Project 0.00020; TOPMed 0.00025.
gnomAD v4.1: 66 of 1,614,086 alleles (0.0041%); highest among the groups gnomAD compares: African/African-American, 0.051%; no homozygotes.

Submissions (3):

GeneDx
Classification: Uncertain significance. Last evaluated: 2026-09-23. Review status: criteria provided, single submitter. Criteria: GeneDx Variant Classification Process June 2021. Collection method: clinical testing. Allele origin: germline.
Comment: Has not been previously published as pathogenic or benign to our knowledge; In silico analysis supports that this missense variant has a deleterious effect on protein structure/function

Blueprint Genetics
Classification: Uncertain significance. Last evaluated: 2024-10-24. Review status: criteria provided, single submitter. Criteria: ACMG Guidelines, 2015. Collection method: clinical testing. Allele origin: germline.

Ambry Genetics
Classification: Uncertain significance for Inborn genetic diseases. Last evaluated: 2024-08-27. Review status: criteria provided, single submitter. Criteria: Ambry Variant Classification Scheme 2023. Collection method: clinical testing. Allele origin: germline.